The following is an entry in ClinVar:

NM_004461.3(FARSA):c.1131G>A (p.Val377=)

Gene: FARSA (phenylalanyl-tRNA synthetase subunit alpha; minus strand). Cytogenetic location: 19p13.13.
Variant type: single nucleotide variant.
Coding change: c.1131G>A on transcript NM_004461.3 (MANE Select); coding-DNA position 1131, G replaced by A.
Protein change: p.Val377=; no amino-acid change (valine 377 retained).
Molecular consequence: synonymous variant.
Genome position (GRCh38, 1-based): chr19:12,924,703, C>T on the plus strand (G>A on the coding strand, the complement: FARSA is on the minus strand). VCF-style: chr19-12924703-C-T. GRCh37 (hg19) VCF-style: chr19-13035517-C-T.
Identifiers: ClinVar variation 3056955 (VCV003056955.15), dbSNP rs113870503, ClinGen allele CA9235140.

ClinVar aggregate classification (germline): Likely benign. Review status: criteria provided, single submitter (1 of 4 stars). 2 submissions from 2 submitters: Likely benign (1). 1 of the submissions does not count toward it. Last evaluated 2024-12-01.

Conditions:
FARSA-related disorder. Also called: FARSA-related condition.

Allele frequency attached by ClinVar (database versions not stated): gnomAD exomes 0.00037; ExAC 0.00130; gnomAD 0.00369; TOPMed 0.00436; 1000 Genomes Project 30x 0.00453; ESP Exome Variant Server 0.00500; 1000 Genomes Project 0.00519.

Submissions (2):

CeGaT Center for Human Genetics Tuebingen
Classification: Likely benign. Last evaluated: 2024-12-01. Review status: criteria provided, single submitter. Criteria: CeGaT Center For Human Genetics Tuebingen Variant Classification Criteria Version 2. Collection method: clinical testing. Allele origin: germline. Affected: yes. Observed: 1 variant allele.
Comment: FARSA: BP4, BP7, BS1

PreventionGenetics, part of Exact Sciences
Classification: Benign for FARSA-related condition. Last evaluated: 2019-02-20. Review status: no assertion criteria provided. Collection method: clinical testing. Allele origin: germline. Not counted in ClinVar's aggregate classification.
Comment: This variant is classified as benign based on ACMG/AMP sequence variant interpretation guidelines (Richards et al. 2015 PMID: 25741868, with internal and published modifications).